The following is an entry in ClinVar:

NM_021096.4(CACNA1I):c.1634C>G (p.Thr545Arg)

Gene: CACNA1I (calcium voltage-gated channel subunit alpha1 I; plus strand). Cytogenetic location: 22q13.1.
Variant type: single nucleotide variant.
Coding change: c.1634C>G on transcript NM_021096.4 (MANE Select); coding-DNA position 1634, C replaced by G.
Protein change: p.Thr545Arg; replaces threonine 545 with arginine.
Molecular consequence: missense variant.
Genome position (GRCh38, 1-based): chr22:39,649,567, C>G. VCF-style: chr22-39649567-C-G. GRCh37 (hg19) VCF-style: chr22-40045572-C-G.
Other names: c.1529C>G, p.Thr510Arg (NM_001003406.2); short protein forms T510R, T545R.
Identifiers: ClinVar variation 2499209 (VCV002499209.2), dbSNP rs60975716, ClinGen allele CA411645251.

ClinVar aggregate classification (germline): Uncertain significance (1 of 4 stars; one submission).

Submission:

GeneDx
Classification: Uncertain significance. Last evaluated: 2024-01-27. Review status: criteria provided, single submitter. Criteria: GeneDx Variant Classification Process June 2021. Collection method: clinical testing. Allele origin: germline.
Comment: Not observed at significant frequency in large population cohorts (gnomAD); In silico analysis supports that this missense variant has a deleterious effect on protein structure/function; Has not been previously published as pathogenic or benign to our knowledge